The following is an entry in ClinVar:

ClinVar aggregate classification (germline): Pathogenic/Likely pathogenic. Review status: criteria provided, multiple submitters, no conflicts (2 of 4 stars). 2 submissions from 2 submitters: Pathogenic (1); Likely pathogenic (1). Last evaluated 2024-10-16.

Conditions:
Telangiectasia, hereditary hemorrhagic, type 2 (HHT2). Also called: ACVRL1-Related Hereditary Hemorrhagic Telangiectasia; Telangiectasia, hereditary hemorrhagic, type II. Identifiers: Orphanet 774, MedGen C1838163, MONDO:0010880, OMIM 600376. Disease mechanism: loss of function.
ACVRL1-related disorder. Also called: ACVRL1-related disorders; ACVRL1-related condition.

Submissions (2):

Labcorp Genetics (formerly Invitae), Labcorp
Classification: Pathogenic for Telangiectasia, hereditary hemorrhagic, type 2. Last evaluated: 2024-10-16. Review status: criteria provided, single submitter. Criteria: Invitae Variant Classification Sherloc (09022015). Collection method: clinical testing. Allele origin: germline.
Comment: This sequence change replaces serine, which is neutral and polar, with tryptophan, which is neutral and slightly polar, at codon 233 of the ACVRL1 protein (p.Ser233Trp). This variant is not present in population databases (gnomAD no frequency). This missense change has been observed in individual(s) with hereditary hemorrhagic telangiectasia (internal data). In at least one individual the variant was observed to be de novo. ClinVar contains an entry for this variant (Variation ID: 1455647). Invitae Evidence Modeling of protein sequence and biophysical properties (such as structural, functional, and spatial information, amino acid conservation, physicochemical variation, residue mobility, and thermodynamic stability) indicates that this missense variant is expected to disrupt ACVRL1 protein function with a positive predictive value of 95%. This variant disrupts the p.Ser233 amino acid residue in ACVRL1. Other variant(s) that disrupt this residue have been determined to be pathogenic (PMID: 16525724, 19767588, 21158752; internal data). This suggests that this residue is clinically significant, and that variants that disrupt this residue are likely to be disease-causing. For these reasons, this variant has been classified as Pathogenic.

Blueprint Genetics
Classification: Likely pathogenic for ACVRL1-related disorders. Last evaluated: 2020-05-05. Review status: criteria provided, single submitter. Criteria: ACMG Guidelines, 2015. Collection method: clinical testing. Allele origin: germline. Affected: yes. Observed: 4 variant alleles.

Literature cited by the submitters: PubMed 16525724 (cited by Labcorp Genetics (formerly Invitae), Labcorp); PubMed 19767588 (cited by Labcorp Genetics (formerly Invitae), Labcorp); PubMed 21158752 (cited by Labcorp Genetics (formerly Invitae), Labcorp).

NM_000020.3(ACVRL1):c.698C>G (p.Ser233Trp)

Gene: ACVRL1 (activin A receptor like type 1; plus strand). Cytogenetic location: 12q13.13.
Variant type: single nucleotide variant.
Coding change: c.698C>G on transcript NM_000020.3 (MANE Select); coding-DNA position 698, C replaced by G.
Protein change: p.Ser233Trp; replaces serine 233 with tryptophan.
Molecular consequence: missense variant.
Genome position (GRCh38, 1-based): chr12:51,914,511, C>G. VCF-style: chr12-51914511-C-G. GRCh37 (hg19) VCF-style: chr12-52308295-C-G.
Other names: c.698C>G, p.Ser233Trp (NM_001077401.2); short protein forms S233W.
Identifiers: ClinVar variation 1455647 (VCV001455647.7), dbSNP rs762773076, ClinGen allele CA384900101.